The following is an entry in ClinVar:

NM_006267.5(RANBP2):c.2015A>C (p.Glu672Ala)

Gene: RANBP2 (RAN binding protein 2; plus strand). Cytogenetic location: 2q13.
Variant type: single nucleotide variant.
Coding change: c.2015A>C on transcript NM_006267.5 (MANE Select); coding-DNA position 2015, A replaced by C.
Protein change: p.Glu672Ala; replaces glutamic acid 672 with alanine.
Molecular consequence: missense variant.
Genome position (GRCh38, 1-based): chr2:108,753,523, A>C. VCF-style: chr2-108753523-A-C. GRCh37 (hg19) VCF-style: chr2-109369979-A-C.
Other names: short protein forms E672A.
Identifiers: ClinVar variation 1439162 (VCV001439162.11), dbSNP rs767990485, ClinGen allele CA348053484.

ClinVar aggregate classification (germline): Uncertain significance. Review status: criteria provided, multiple submitters, no conflicts (2 of 4 stars). 2 submissions from 2 submitters: Uncertain significance (2). Last evaluated 2025-12-04.

Conditions:
Familial acute necrotizing encephalopathy (IIAE3). Also called: ENCEPHALOPATHY, ACUTE, INFECTION-INDUCED, SUSCEPTIBILITY TO, 3; Susceptibility to Acute Necrotizing Encephalopathy 1. Identifiers: Orphanet 88619, MedGen C2675556, MONDO:0011953, OMIM 608033.

gnomAD v4.1: 3 of 1,611,884 alleles (0.00019%); highest among the groups gnomAD compares: Admixed American, 0.0017%; no homozygotes.

Submissions (2):

Dasa
Classification: Uncertain significance. Last evaluated: 2025-12-04. Review status: criteria provided, single submitter. Criteria: DASA Assertion Criteria. Collection method: clinical testing. Allele origin: germline.
Comment: NM_006267.5(RANBP2):c.2015A>C (p.Glu672Ala) is a missense variant that results in the substitution of glutamic acid with alanine. This variant is rare in population databases. Computational prediction algorithms are consistent with a benign effect. The currently available literature and clinical evidence are not sufficient to establish a definitive association between this variant and the reported condition. Therefore, this variant is classified as a variant of uncertain significance.

Labcorp Genetics (formerly Invitae), Labcorp
Classification: Uncertain significance for Familial acute necrotizing encephalopathy. Last evaluated: 2023-08-11. Review status: criteria provided, single submitter. Criteria: Invitae Variant Classification Sherloc (09022015). Collection method: clinical testing. Allele origin: germline.
Comment: In summary, the available evidence is currently insufficient to determine the role of this variant in disease. Therefore, it has been classified as a Variant of Uncertain Significance. An algorithm developed to predict the effect of missense changes on protein structure and function (PolyPhen-2) suggests that this variant is likely to be tolerated. ClinVar contains an entry for this variant (Variation ID: 1439162). This variant has not been reported in the literature in individuals affected with RANBP2-related conditions. This variant is not present in population databases (gnomAD no frequency). This sequence change replaces glutamic acid, which is acidic and polar, with alanine, which is neutral and non-polar, at codon 672 of the RANBP2 protein (p.Glu672Ala).